The following is an entry in ClinVar:

NM_001849.4(COL6A2):c.2106G>A (p.Trp702Ter)

Gene: COL6A2 (collagen type VI alpha 2 chain; plus strand). Cytogenetic location: 21q22.3.
Variant type: single nucleotide variant.
Coding change: c.2106G>A on transcript NM_001849.4 (MANE Select); coding-DNA position 2106, G replaced by A.
Protein change: p.Trp702Ter; replaces tryptophan 702 with a stop codon.
Molecular consequence: nonsense.
Genome position (GRCh38, 1-based): chr21:46,125,921, G>A. VCF-style: chr21-46125921-G-A. GRCh37 (hg19) VCF-style: chr21-47545835-G-A.
Other names: c.2106G>A, p.Trp702Ter (NM_058174.3, NM_058175.3); short protein forms W702*.
Identifiers: ClinVar variation 3340389 (VCV003340389.1).

ClinVar aggregate classification (germline): Pathogenic (1 of 4 stars; one submission).

gnomAD v4.1: 3 of 1,613,166 alleles (0.00019%); highest among the groups gnomAD compares: Non-Finnish European, 0.00025%; no homozygotes.

Submission:

GeneDx
Classification: Pathogenic. Last evaluated: 2023-07-24. Review status: criteria provided, single submitter. Criteria: GeneDx Variant Classification Process June 2021. Collection method: clinical testing. Allele origin: germline. Affected: yes.
Comment: Observed in compound heterozygous state in a patient with UCMD in published literature (Sframeli et al., 2017); Not observed at significant frequency in large population cohorts (gnomAD); Nonsense variant predicted to result in protein truncation or nonsense mediated decay in a gene for which loss of function is a known mechanism of disease; This variant is associated with the following publications: (PMID: 28688748, 35071537)